The following is an entry in ClinVar:

NM_004064.5(CDKN1B):c.154A>C (p.Met52Leu)

Gene: CDKN1B (cyclin dependent kinase inhibitor 1B; plus strand). Cytogenetic location: 12p13.1.
Variant type: single nucleotide variant.
Coding change: c.154A>C on transcript NM_004064.5 (MANE Select); coding-DNA position 154, A replaced by C.
Protein change: p.Met52Leu; replaces methionine 52 with leucine.
Molecular consequence: missense variant.
Genome position (GRCh38, 1-based): chr12:12,717,993, A>C. VCF-style: chr12-12717993-A-C. GRCh37 (hg19) VCF-style: chr12-12870927-A-C.
Other names: short protein forms M52L.
Identifiers: ClinVar variation 469000 (VCV000469000.53), dbSNP rs760647541, ClinGen allele CA6457395.
Genomic context (GRCh38, chr12:12,717,993, plus strand): 5'-CTCTTCGGCCCGGTGGACCACGAAGAGTTAACCCGGGACTTGGAGAAGCACTGCAGAGAC[A>C]TGGAAGAGGCGAGCCAGCGCAAGTGGAATTTCGATTTTCAGAATCACAAACCCCTAGAGG-3'
Protein context (NP_004055.1, residues 42-62): TRDLEKHCRD[Met52Leu]EEASQRKWNF

ClinVar aggregate classification (germline): Conflicting classifications of pathogenicity. Review status: criteria provided, conflicting classifications (1 of 4 stars). 4 submissions from 4 submitters: Uncertain significance (3); Benign (1). Last evaluated 2025-10-03.

Conditions:
Hereditary cancer-predisposing syndrome. Also called: Hereditary neoplastic syndrome; Tumor predisposition; Neoplastic Syndromes, Hereditary; Hereditary Cancer Syndrome. Identifiers: Orphanet 140162, MedGen C0027672, MeSH D009386, MONDO:0015356.
Multiple endocrine neoplasia type 4. Also called: MULTIPLE ENDOCRINE NEOPLASIA, TYPE IV. Identifiers: Orphanet 276152, MedGen C1970712, MONDO:0012552, OMIM 610755.

Allele frequency attached by ClinVar (database versions not stated): gnomAD 0.00003; TOPMed 0.00003.
gnomAD v4.1: 9 of 1,614,138 alleles (0.00056%); highest among the groups gnomAD compares: East Asian, 0.018%; no homozygotes.

Submissions (4):

Labcorp Genetics (formerly Invitae), Labcorp
Classification: Uncertain significance for Multiple endocrine neoplasia type 4. Last evaluated: 2025-10-03. Review status: criteria provided, single submitter. Criteria: Invitae Variant Classification Sherloc (09022015). Collection method: clinical testing. Allele origin: germline.
Comment: This sequence change replaces methionine, which is neutral and non-polar, with leucine, which is neutral and non-polar, at codon 52 of the CDKN1B protein (p.Met52Leu). This variant is present in population databases (rs760647541, gnomAD 0.05%). This variant has not been reported in the literature in individuals affected with CDKN1B-related conditions. ClinVar contains an entry for this variant (Variation ID: 469000). An algorithm developed to predict the effect of missense changes on protein structure and function (PolyPhen-2) suggests that this variant is likely to be tolerated. In summary, the available evidence is currently insufficient to determine the role of this variant in disease. Therefore, it has been classified as a Variant of Uncertain Significance.

GeneDx
Classification: Uncertain significance. Last evaluated: 2024-02-05. Review status: criteria provided, single submitter. Criteria: GeneDx Variant Classification Process June 2021. Collection method: clinical testing. Allele origin: germline. Affected: yes.
Comment: In silico analysis supports that this missense variant does not alter protein structure/function; Has not been previously published as pathogenic or benign to our knowledge

Ambry Genetics
Classification: Benign for Hereditary cancer-predisposing syndrome. Last evaluated: 2022-09-14. Review status: criteria provided, single submitter. Criteria: Ambry Variant Classification Scheme 2023. Collection method: clinical testing. Allele origin: germline.

CeGaT Center for Human Genetics Tuebingen
Classification: Uncertain significance. Last evaluated: 2019-10-01. Review status: criteria provided, single submitter. Criteria: CeGaT Center For Human Genetics Tuebingen Variant Classification Criteria Version 2. Collection method: clinical testing. Allele origin: germline. Affected: yes. Observed: 1 variant allele.